The following is an entry in ClinVar:

ClinVar aggregate classification (germline): Benign/Likely benign. Review status: criteria provided, multiple submitters, no conflicts (2 of 4 stars). 14 submissions from 11 submitters: Benign (7); Likely benign (7). Last evaluated 2026-07-01.

Conditions:
TTN-related disorder. Also called: TTN-related disorders; TTN-related condition; TTN-related disease.
Cardiovascular phenotype. Identifiers: MedGen CN230736.
Autosomal recessive limb-girdle muscular dystrophy type 2J (LGMDR10). Also called: Limb-girdle muscular dystrophy, type 2J; MUSCULAR DYSTROPHY, LIMB-GIRDLE, AUTOSOMAL RECESSIVE 10. Identifiers: Orphanet 140922, MedGen C1837342, MONDO:0012127, OMIM 608807.
Dilated cardiomyopathy 1G (CMD1G). Identifiers: Orphanet 154, MedGen C1858763, MONDO:0011400, OMIM 604145.
Early-onset myopathy with fatal cardiomyopathy (CMYO5). Also called: Salih Myopathy; CONGENITAL MYOPATHY 5 WITH CARDIOMYOPATHY. Identifiers: Orphanet 289377, MedGen C2673677, MONDO:0012714, OMIM 611705. Disease mechanism: loss of function.
Myopathy, myofibrillar, 9, with early respiratory failure (MFM9). Also called: EDSTROM MYOPATHY; MYOPATHY, PROXIMAL, WITH EARLY RESPIRATORY MUSCLE INVOLVEMENT; Hereditary myopathy with early respiratory failure; Myopathy, distal, with early respiratory failure, autosomal dominant. Identifiers: Orphanet 178464, Orphanet 34521, MedGen C1863599, MONDO:0011362, OMIM 603689.
Tibial muscular dystrophy (TMD). Also called: Udd Distal Myopathy – Tibial Muscular Dystrophy; Tibial muscular dystrophy, tardive; UDD MYOPATHY. Identifiers: Orphanet 609, MedGen C1838244, MONDO:0010870, OMIM 600334.

Allele frequency attached by ClinVar (database versions not stated): TOPMed 0.00028; gnomAD 0.00032; ESP Exome Variant Server 0.00046.
gnomAD v4.1: 112 of 1,613,932 alleles (0.0069%); highest among the groups gnomAD compares: African/African-American, 0.1%; no homozygotes.

Submissions (14):

CeGaT Center for Human Genetics Tuebingen
Classification: Likely benign. Last evaluated: 2026-07-01. Review status: criteria provided, single submitter. Criteria: CeGaT Center For Human Genetics Tuebingen Variant Classification Criteria Version 2. Collection method: clinical testing. Allele origin: germline. Affected: yes. Observed: 2 variant alleles.
Comment: TTN: BP4, BP7

Women's Health and Genetics/Laboratory Corporation of America, LabCorp
Classification: Likely benign. Last evaluated: 2026-04-10. Review status: criteria provided, single submitter. Criteria: LabCorp Variant Classification Summary - May 2015. Collection method: clinical testing. Allele origin: germline.

Labcorp Genetics (formerly Invitae), Labcorp
Classification: Likely benign for Dilated cardiomyopathy 1G; Autosomal recessive limb-girdle muscular dystrophy type 2J. Last evaluated: 2026-01-25. Review status: criteria provided, single submitter. Criteria: Invitae Variant Classification Sherloc (09022015). Collection method: clinical testing. Allele origin: germline.

PreventionGenetics, part of Exact Sciences
Classification: Likely benign for TTN-related condition. Last evaluated: 2025-05-02. Review status: criteria provided, single submitter. Criteria: ACMG Guidelines, 2015. Collection method: clinical testing. Allele origin: germline.
Comment: This variant is classified as likely benign based on ACMG/AMP sequence variant interpretation guidelines (Richards et al. 2015 PMID: 25741868, with internal and published modifications).

Molecular Diagnostic Laboratory for Inherited Cardiovascular Disease, Montreal Heart Institute
Classification: Benign. Last evaluated: 2025-04-09. Review status: criteria provided, single submitter. Criteria: ACMG Guidelines, 2015. Collection method: clinical testing. Allele origin: germline. Affected: no.

Athena Diagnostics
Classification: Benign. Last evaluated: 2024-10-17. Review status: criteria provided, single submitter. Criteria: Athena Diagnostics Criteria. Collection method: clinical testing. Allele origin: unknown.

Genome-Nilou Lab
Classification: Benign for Autosomal recessive limb-girdle muscular dystrophy type 2J. Last evaluated: 2021-09-10. Review status: criteria provided, single submitter. Criteria: ACMG Guidelines, 2015. Collection method: clinical testing. Allele origin: germline. Affected: no.

Genome-Nilou Lab
Classification: Benign for Myopathy, myofibrillar, 9, with early respiratory failure. Last evaluated: 2021-09-10. Review status: criteria provided, single submitter. Criteria: ACMG Guidelines, 2015. Collection method: clinical testing. Allele origin: germline. Affected: no.

Genome-Nilou Lab
Classification: Benign for Early-onset myopathy with fatal cardiomyopathy. Last evaluated: 2021-09-10. Review status: criteria provided, single submitter. Criteria: ACMG Guidelines, 2015. Collection method: clinical testing. Allele origin: germline. Affected: no.

Genome-Nilou Lab
Classification: Benign for Tibial muscular dystrophy. Last evaluated: 2021-09-10. Review status: criteria provided, single submitter. Criteria: ACMG Guidelines, 2015. Collection method: clinical testing. Allele origin: germline. Affected: no.

Ambry Genetics
Classification: Likely benign for Cardiovascular phenotype. Last evaluated: 2018-04-12. Review status: criteria provided, single submitter. Criteria: Ambry Variant Classification Scheme 2023. Collection method: clinical testing. Allele origin: germline.

Laboratory for Molecular Medicine, Mass General Brigham Personalized Medicine
Classification: Likely benign. Last evaluated: 2017-07-27. Review status: criteria provided, single submitter. Criteria: LMM Criteria. Collection method: clinical testing. Allele origin: germline. Observed: 1 variant allele.
Comment: p.Ser3263Ser in Exon 42 of TTN: This variant is not expected to have clinical si gnificance because it does not alter an amino acid residue, is not located withi n the splice consensus sequence. It has been identified in 0.09% (22/24026) of A frican chromosomes by the Genome Aggregation Database (gnomAD; dbSNP rs138313387).

Eurofins Ntd Llc (ga)
Classification: Likely benign. Last evaluated: 2015-08-06. Review status: criteria provided, single submitter. Criteria: EGL Classification Definitions 2015. Collection method: clinical testing. Allele origin: germline. Observed: 1 variant allele, 1 heterozygote.

GeneDx
Classification: Benign. Last evaluated: 2014-04-01. Review status: criteria provided, single submitter. Criteria: GeneDx Variant Classification (06012015). Collection method: clinical testing. Allele origin: germline. Affected: yes.
Comment: This variant is considered likely benign or benign based on one or more of the following criteria: it is a conservative change, it occurs at a poorly conserved position in the protein, it is predicted to be benign by multiple in silico algorithms, and/or has population frequency not consistent with disease.

NM_001267550.2(TTN):c.9789C>T (p.Ser3263=)

Gene: TTN (titin; minus strand). Cytogenetic location: 2q31.2.
Variant type: single nucleotide variant.
Coding change: c.9789C>T on transcript NM_001267550.2 (MANE Select); coding-DNA position 9789, C replaced by T.
Protein change: p.Ser3263=; no amino-acid change (serine 3263 retained).
Molecular consequence: synonymous variant.
Genome position (GRCh38, 1-based): chr2:178,764,726, G>A on the plus strand (C>T on the coding strand, the complement: TTN is on the minus strand). VCF-style: chr2-178764726-G-A. GRCh37 (hg19) VCF-style: chr2-179629453-G-A.
Other names: p.S3263S:TCC>TCT; c.9789C>T, p.Ser3263= (NM_001256850.1, NM_133378.4, NM_133379.5); c.9651C>T, p.Ser3217= (NM_003319.4, NM_133432.3, NM_133437.4); c.9789C>T (NM_001267550.1).
Identifiers: ClinVar variation 137830 (VCV000137830.29), dbSNP rs138313387, ClinGen allele CA291519.
Genomic context (GRCh38, chr2:178,764,726, plus strand): 5'-GAAGCCAGTGGAAAGCAGCTGCTCTTCCTTGTACCAGGAAATTTTGGGCTGTGGTCTTCC[G>A]GATATCACGGCACAGAAGCGGGCAGGCTTGCCAGACTGCACAGTGACAGGCTGGAGCTCC-3'
Protein context (NP_001254479.2, residues 3253-3273): GKPARFCAVI[Ser3263=]GRPQPKISWY